The following is an entry in ClinVar:

NM_001164508.2(NEB):c.19628T>C (p.Ile6543Thr)

Genes: NEB (nebulin; minus strand), LOC126806373 (BRD4-independent group 4 enhancer GRCh37_chr2:152410007-152411206; plus strand). Cytogenetic location: 2q23.3.
Variant type: single nucleotide variant.
Coding change: c.19628T>C on transcript NM_001164508.2 (MANE Select); coding-DNA position 19628, T replaced by C.
Protein change: p.Ile6543Thr; replaces isoleucine 6543 with threonine.
Molecular consequence: missense variant.
Genome position (GRCh38, 1-based): chr2:151,553,501, A>G on the plus strand (T>C on the coding strand, the complement: NEB is on the minus strand). VCF-style: chr2-151553501-A-G. GRCh37 (hg19) VCF-style: chr2-152410015-A-G.
Other names: c.19628T>C, p.Ile6543Thr (NM_001164507.2, NM_001271208.2); c.14525T>C, p.Ile4842Thr (NM_004543.5); short protein forms I6543T, I4842T.
Identifiers: ClinVar variation 938436 (VCV000938436.12), dbSNP rs756123091, ClinGen allele CA1907575.
Genomic context (GRCh38, chr2:151,553,501, plus strand): 5'-GGAGTGTCCCAGACGTAGCAACCAATGCCTTTCAGCCAGTTGAGGTCATCCTTGTATACA[A>G]TCTAGAGGGTTTTGATAGAAAGGATCAGAAAAAAAAAATTGACCATAATAACTTTAACAC-3'
Protein context (NP_001157980.2, residues 6533-6553): VRKVTDQISD[Ile6543Thr]VYKDDLNWLK

ClinVar aggregate classification (germline): Uncertain significance. Review status: criteria provided, multiple submitters, no conflicts (2 of 4 stars). 3 submissions from 3 submitters: Uncertain significance (2). 1 of the submissions does not count toward it. Last evaluated 2023-12-11.

Conditions:
Nemaline myopathy 2 (NEM2). Also called: Nemaline myopathy 2, autosomal recessive. Identifiers: MedGen C1850569, MONDO:0009725, OMIM 256030.

Allele frequency attached by ClinVar (database versions not stated): gnomAD exomes below 0.00001 and 0.00001; TOPMed below 0.00001; gnomAD 0.00001; ExAC 0.00002.
gnomAD v4.1: 5 of 1,602,110 alleles (0.00031%); highest among the groups gnomAD compares: East Asian, 0.0022%; no homozygotes.

Submissions (3):

GeneDx
Classification: Uncertain significance. Last evaluated: 2023-12-11. Review status: criteria provided, single submitter. Criteria: GeneDx Variant Classification Process June 2021. Collection method: clinical testing. Allele origin: germline. Affected: yes.
Comment: Not observed at significant frequency in large population cohorts (gnomAD); In silico analysis supports that this missense variant does not alter protein structure/function; Has not been previously published as pathogenic or benign to our knowledge

Labcorp Genetics (formerly Invitae), Labcorp
Classification: Uncertain significance for Nemaline myopathy 2. Last evaluated: 2021-09-01. Review status: criteria provided, single submitter. Criteria: Invitae Variant Classification Sherloc (09022015). Collection method: clinical testing. Allele origin: germline.
Comment: This sequence change replaces isoleucine with threonine at codon 6543 of the NEB protein (p.Ile6543Thr). The isoleucine residue is moderately conserved and there is a moderate physicochemical difference between isoleucine and threonine. This variant is present in population databases (rs756123091, ExAC 0.01%). This variant has not been reported in the literature in individuals affected with NEB-related conditions. Algorithms developed to predict the effect of missense changes on protein structure and function are either unavailable or do not agree on the potential impact of this missense change (SIFT: "Deleterious"; PolyPhen-2: "Not Available"; Align-GVGD: "Class C0"). In summary, the available evidence is currently insufficient to determine the role of this variant in disease. Therefore, it has been classified as a Variant of Uncertain Significance.

Natera, Inc.
Classification: Uncertain significance for Nemaline myopathy type 2. Last evaluated: 2020-07-24. Review status: no assertion criteria provided. Collection method: clinical testing. Allele origin: germline. Not counted in ClinVar's aggregate classification.